The following is an entry in ClinVar:

NM_025074.7(FRAS1):c.7867C>T (p.Arg2623Ter)

Gene: FRAS1 (Fraser extracellular matrix complex subunit 1; plus strand). Cytogenetic location: 4q21.21.
Variant type: single nucleotide variant.
Coding change: c.7867C>T on transcript NM_025074.7 (MANE Select); coding-DNA position 7867, C replaced by T.
Protein change: p.Arg2623Ter; replaces arginine 2623 with a stop codon.
Molecular consequence: nonsense.
Genome position (GRCh38, 1-based): chr4:78,477,830, C>T. VCF-style: chr4-78477830-C-T. GRCh37 (hg19) VCF-style: chr4-79398984-C-T.
Other names: short protein forms R2623*.
Identifiers: ClinVar variation 2734656 (VCV002734656.3), dbSNP rs1236188218, ClinGen allele CA357371295.

ClinVar aggregate classification (germline): Pathogenic (1 of 4 stars; one submission).

gnomAD v4.1: 7 of 1,612,582 alleles (0.00043%); highest among the groups gnomAD compares: East Asian, 0.0067%; no homozygotes.

Submission:

Labcorp Genetics (formerly Invitae), Labcorp
Classification: Pathogenic. Last evaluated: 2023-08-16. Review status: criteria provided, single submitter. Criteria: Invitae Variant Classification Sherloc (09022015). Collection method: clinical testing. Allele origin: germline.
Comment: This sequence change creates a premature translational stop signal (p.Arg2623*) in the FRAS1 gene. It is expected to result in an absent or disrupted protein product. Loss-of-function variants in FRAS1 are known to be pathogenic (PMID: 12766769, 18671281). For these reasons, this variant has been classified as Pathogenic. This variant is also known as p.R2621X. This premature translational stop signal has been observed in individual(s) with FRAS1-related condition (PMID: 21900877). This variant is present in population databases (no rsID available, gnomAD 0.005%).

Literature cited by the submitters: PubMed 12766769; PubMed 18671281; PubMed 21900877.